The following is an entry in ClinVar:

ClinVar aggregate classification (germline): Uncertain significance. Review status: criteria provided, multiple submitters, no conflicts (2 of 4 stars). 3 submissions from 3 submitters: Uncertain significance (3). Last evaluated 2025-08-20.

Conditions:
Monocytopenia with susceptibility to infections. Also called: MONOCYTOPENIA AND MYCOBACTERIAL INFECTION SYNDROME; MONOCYTOPENIA WITH SUSCEPTIBILITY TO MYCOBACTERIAL, FUNGAL, AND PAPILLOMAVIRUS INFECTIONS AND MYELODYSPLASIA; COMBINED IMMUNODEFICIENCY WITH SUSCEPTIBILITY TO MYCOBACTERIAL, VIRAL, AND FUNGAL INFECTIONS; Dendritic cell, monocyte, B lymphocyte, and natural killer lymphocyte deficiency; IMMUNODEFICIENCY 21; GATA2 DEFICIENCY. Identifiers: Orphanet 228423, MedGen C3280030, MONDO:0013607, OMIM 614172.
Deafness-lymphedema-leukemia syndrome. Also called: Lymphedema, primary, with myelodysplasia; Emberger syndrome. Identifiers: Orphanet 3226, MedGen C3279664, MONDO:0013540, OMIM 614038.
GATA2 deficiency with susceptibility to MDS/AML. Identifiers: MedGen CN300066, MONDO:0042982.
Inborn genetic diseases. Identifiers: MedGen C0950123, MeSH D030342.

Allele frequency attached by ClinVar (database versions not stated): gnomAD exomes below 0.00001; TOPMed below 0.00001; gnomAD 0.00001.
gnomAD v4.1: 4 of 1,592,102 alleles (0.00025%); highest among the groups gnomAD compares: Non-Finnish European, 0.00034%; no homozygotes.

Submissions (3):

Ambry Genetics
Classification: Uncertain significance for Inborn genetic diseases. Last evaluated: 2025-08-20. Review status: criteria provided, single submitter. Criteria: Ambry Variant Classification Scheme 2023. Collection method: clinical testing. Allele origin: germline.
Comment: The p.D99G variant (also known as c.296A>G), located in coding exon 2 of the GATA2 gene, results from an A to G substitution at nucleotide position 296. The aspartic acid at codon 99 is replaced by glycine, an amino acid with similar properties. This amino acid position is conserved. In addition, the in silico prediction for this alteration is inconclusive. Based on the available evidence, the clinical significance of this variant remains unclear.

Labcorp Genetics (formerly Invitae), Labcorp
Classification: Uncertain significance for Monocytopenia with susceptibility to infections; Deafness-lymphedema-leukemia syndrome. Last evaluated: 2024-04-22. Review status: criteria provided, single submitter. Criteria: Invitae Variant Classification Sherloc (09022015). Collection method: clinical testing. Allele origin: germline.
Comment: This sequence change replaces aspartic acid, which is acidic and polar, with glycine, which is neutral and non-polar, at codon 99 of the GATA2 protein (p.Asp99Gly). This variant is not present in population databases (gnomAD no frequency). This variant has not been reported in the literature in individuals affected with GATA2-related conditions. ClinVar contains an entry for this variant (Variation ID: 2192472). Advanced modeling of protein sequence and biophysical properties (such as structural, functional, and spatial information, amino acid conservation, physicochemical variation, residue mobility, and thermodynamic stability) performed at Invitae indicates that this missense variant is not expected to disrupt GATA2 protein function with a negative predictive value of 95%. In summary, the available evidence is currently insufficient to determine the role of this variant in disease. Therefore, it has been classified as a Variant of Uncertain Significance.

St. Jude Molecular Pathology, St. Jude Children's Research Hospital
Classification: Uncertain significance for GATA2 deficiency with susceptibility to MDS/AML. Last evaluated: 2023-03-15. Review status: criteria provided, single submitter. Criteria: St. Jude Assertion Criteria 2020. Collection method: clinical testing. Allele origin: germline.
Comment: The GATA2 c.296A>G (p.Asp99Gly) missense change is absent in gnomAD v2.1.1. The in silico tool REVEL is inconclusive about a pathogenic or benign effect of this variant on protein function, and to our knowledge functional studies have not been performed. To our knowledge, this variant has not been reported in individuals presenting with GATA2-associated clinical phenotypes. In summary, the evidence currently available is insufficient to determine the clinical significance of this variant. It has therefore been classified as of uncertain significance.

NM_032638.5(GATA2):c.296A>G (p.Asp99Gly)

Gene: GATA2 (GATA binding protein 2; minus strand). Cytogenetic location: 3q21.3.
Variant type: single nucleotide variant.
Coding change: c.296A>G on transcript NM_032638.5 (MANE Select); coding-DNA position 296, A replaced by G.
Protein change: p.Asp99Gly; replaces aspartic acid 99 with glycine.
Molecular consequence: missense variant.
Genome position (GRCh38, 1-based): chr3:128,486,302, T>C on the plus strand (A>G on the coding strand, the complement: GATA2 is on the minus strand). VCF-style: chr3-128486302-T-C. GRCh37 (hg19) VCF-style: chr3-128205145-T-C.
Other names: c.296A>G, p.Asp99Gly (NM_001145661.2, NM_001145662.1); short protein forms D99G.
Identifiers: ClinVar variation 2192472 (VCV002192472.6), dbSNP rs766288736, ClinGen allele CA2600044.